The following is an entry in ClinVar:

NM_000540.3(RYR1):c.10982G>C (p.Trp3661Ser)

Gene: RYR1 (ryanodine receptor 1; plus strand). Cytogenetic location: 19q13.2.
Variant type: single nucleotide variant.
Coding change: c.10982G>C on transcript NM_000540.3 (MANE Select); coding-DNA position 10982, G replaced by C.
Protein change: p.Trp3661Ser; replaces tryptophan 3661 with serine.
Molecular consequence: missense variant.
Genome position (GRCh38, 1-based): chr19:38,528,643, G>C. VCF-style: chr19-38528643-G-C. GRCh37 (hg19) VCF-style: chr19-39019283-G-C.
Other names: c.10967G>C, p.Trp3656Ser (NM_001042723.2); short protein forms W3656S, W3661S.
Identifiers: ClinVar variation 3385545 (VCV003385545.1).
Genomic context (GRCh38, chr19:38,528,643, plus strand): 5'-CACCTCTCCCCTGCAGGCACCGGGCATGTAACATGTTCCTGGAGAGCTACAAGGCTGCAT[G>C]GATCCTGACTGAAGACCACAGTTTTGAGGACCGCATGATAGATGACCTTTCAGTGAGCTG-3'
Protein context (NP_000531.2, residues 3651-3671): NMFLESYKAA[Trp3661Ser]ILTEDHSFED

ClinVar aggregate classification (germline): Uncertain significance (1 of 4 stars; one submission).

Conditions:
Malignant hyperthermia, susceptibility to, 1 (MHS1). Also called: Anesthesia related hyperthermia; Malignant hyperpyrexia; Fulminating hyperpyrexia; Pharmacogenic myopathy; Malignant hyperthermia suceptibility 1; RYR1-Related Malignant Hyperthermia Susceptibility. Identifiers: Orphanet 423, MedGen C2930980, MONDO:0007783, OMIM 145600.

Submission:

All of Us Research Program, National Institutes of Health
Classification: Uncertain significance for Malignant hyperthermia, susceptibility to, 1. Last evaluated: 2024-05-14. Review status: criteria provided, single submitter. Criteria: ACMG Guidelines, 2015. Collection method: clinical testing. Allele origin: germline. Inheritance: Autosomal dominant inheritance. Observed: 1 variant allele, 1 heterozygote.
Comment: This missense variant replaces tryptophan with serine at codon 3661 of the RYR1 protein. Computational prediction suggests that this variant may have deleterious impact on protein structure and function (internally defined REVEL score threshold >= 0.7, PMID: 27666373). To our knowledge, functional studies have not been reported for this variant. This variant has not been reported in individuals affected with RYR1-related disorders in the literature. This variant has not been identified in the general population by the Genome Aggregation Database (gnomAD). The available evidence is insufficient to determine the role of this variant in disease conclusively. Therefore, this variant is classified as a Variant of Uncertain Significance.

This study involves interpretation of variants in research participants for the purpose of population health screening. Participant phenotype was not available at the time of variant classification. Additional details can be found in publication PMID: 35346344, PMCID: PMC8962531